The following is an entry in ClinVar:

NM_003754.3(EIF3F):c.996+9C>T

Genes: EIF3F (eukaryotic translation initiation factor 3 subunit F; plus strand), LOC126861132 (CDK7 strongly-dependent group 2 enhancer GRCh37_chr11:8016231-8017430; plus strand). Cytogenetic location: 11p15.4.
Variant type: single nucleotide variant.
Coding change: c.996+9C>T on transcript NM_003754.3 (MANE Select); 9 bases into the intron after coding-DNA position 996, C replaced by T.
Molecular consequence: intron variant.
Genome position (GRCh38, 1-based): chr11:7,995,376, C>T. VCF-style: chr11-7995376-C-T. GRCh37 (hg19) VCF-style: chr11-8016923-C-T.
Identifiers: ClinVar variation 3049797 (VCV003049797.3), dbSNP rs531400006, ClinGen allele CA5870732.

ClinVar aggregate classification (germline): Likely benign. Review status: criteria provided, single submitter (1 of 4 stars). 2 submissions from 2 submitters: Likely benign (1). 1 of the submissions does not count toward it. Last evaluated 2024-10-23.

Conditions:
EIF3F-related disorder. Also called: EIF3F-related condition.

Allele frequency attached by ClinVar (database versions not stated): TOPMed 0.00013; gnomAD 0.00021; 1000 Genomes Project 30x 0.00141; 1000 Genomes Project 0.00160.

Submissions (2):

Blueprint Genetics
Classification: Likely benign. Last evaluated: 2024-10-23. Review status: criteria provided, single submitter. Criteria: ACMG Guidelines, 2015. Collection method: clinical testing. Allele origin: germline.

PreventionGenetics, part of Exact Sciences
Classification: Benign for EIF3F-related condition. Last evaluated: 2019-07-11. Review status: no assertion criteria provided. Collection method: clinical testing. Allele origin: germline. Not counted in ClinVar's aggregate classification.
Comment: This variant is classified as benign based on ACMG/AMP sequence variant interpretation guidelines (Richards et al. 2015 PMID: 25741868, with internal and published modifications).